The following is an entry in ClinVar:

ClinVar aggregate classification (germline): Uncertain significance (1 of 4 stars; one submission).

Allele frequency attached by ClinVar (database versions not stated): gnomAD exomes below 0.00001; gnomAD 0.00001; TOPMed 0.00001.
gnomAD v4.1: 8 of 1,612,900 alleles (0.0005%); highest among the groups gnomAD compares: African/African-American, 0.0013%; no homozygotes.

Submission:

Ambry Genetics
Classification: Uncertain significance. Last evaluated: 2024-08-15. Review status: criteria provided, single submitter. Criteria: Ambry Variant Classification Scheme 2023. Collection method: clinical testing. Allele origin: germline.
Comment: The p.S511F variant (also known as c.1532C>T), located in coding exon 10 of the POLQ gene, results from a C to T substitution at nucleotide position 1532. The serine at codon 511 is replaced by phenylalanine, an amino acid with highly dissimilar properties. This amino acid position is conserved. In addition, this alteration is predicted to be tolerated by in silico analysis. Since supporting evidence is limited at this time, the clinical significance of this alteration remains unclear.

NM_199420.4(POLQ):c.1532C>T (p.Ser511Phe)

Gene: POLQ (DNA polymerase theta; minus strand). Cytogenetic location: 3q13.33.
Variant type: single nucleotide variant.
Coding change: c.1532C>T on transcript NM_199420.4 (MANE Select); coding-DNA position 1532, C replaced by T.
Protein change: p.Ser511Phe; replaces serine 511 with phenylalanine.
Molecular consequence: missense variant.
Genome position (GRCh38, 1-based): chr3:121,511,966, G>A on the plus strand (C>T on the coding strand, the complement: POLQ is on the minus strand). VCF-style: chr3-121511966-G-A. GRCh37 (hg19) VCF-style: chr3-121230813-G-A.
Other names: short protein forms S511F.
Identifiers: ClinVar variation 1774652 (VCV001774652.3), dbSNP rs901196543, ClinGen allele CA81852373.